The following is an entry in ClinVar:

ClinVar aggregate classification (germline): Uncertain significance (1 of 4 stars; one submission).

Allele frequency attached by ClinVar (database versions not stated): TOPMed 0.00001.

Submission:

Labcorp Genetics (formerly Invitae), Labcorp
Classification: Uncertain significance. Last evaluated: 2022-12-07. Review status: criteria provided, single submitter. Criteria: Invitae Variant Classification Sherloc (09022015). Collection method: clinical testing. Allele origin: germline.
Comment: This sequence change affects codon 3366 of the MACF1 mRNA. It is a 'silent' change, meaning that it does not change the encoded amino acid sequence of the MACF1 protein. This variant is not present in population databases (gnomAD no frequency). This variant has not been reported in the literature in individuals affected with MACF1-related conditions. Algorithms developed to predict the effect of sequence changes on RNA splicing suggest that this variant may create or strengthen a splice site. In summary, the available evidence is currently insufficient to determine the role of this variant in disease. Therefore, it has been classified as a Variant of Uncertain Significance.

NM_001394062.1(MACF1):c.16284A>G (p.Arg5428=)

Gene: MACF1 (microtubule actin crosslinking factor 1; plus strand). Cytogenetic location: 1p34.3.
Variant type: single nucleotide variant.
Coding change: c.16284A>G on transcript NM_001394062.1 (MANE Select); coding-DNA position 16284, A replaced by G.
Protein change: p.Arg5428=; no amino-acid change (arginine 5428 retained).
Molecular consequence: synonymous variant.
Genome position (GRCh38, 1-based): chr1:39,424,162, A>G. VCF-style: chr1-39424162-A-G. GRCh37 (hg19) VCF-style: chr1-39889834-A-G.
Other names: c.4680A>G, p.Arg1560= (NM_001397473.1); c.10098A>G, p.Arg3366= (NM_012090.5).
Identifiers: ClinVar variation 2780540 (VCV002780540.3), dbSNP rs1643649463, ClinGen allele CA417281921.